The following is an entry in ClinVar:

NM_006929.5(SKIC2):c.1211G>A (p.Arg404His)

Genes: SKIC2 (SKI2 subunit of superkiller complex; plus strand), LOC126859653 (CDK7 strongly-dependent group 2 enhancer GRCh37_chr6:31929542-31930741; plus strand). Cytogenetic location: 6p21.33.
Variant type: single nucleotide variant.
Coding change: c.1211G>A on transcript NM_006929.5 (MANE Select); coding-DNA position 1211, G replaced by A.
Protein change: p.Arg404His; replaces arginine 404 with histidine.
Molecular consequence: missense variant.
Genome position (GRCh38, 1-based): chr6:31,962,585, G>A. VCF-style: chr6-31962585-G-A. GRCh37 (hg19) VCF-style: chr6-31930362-G-A.
Other names: short protein forms R404H.
Identifiers: ClinVar variation 1696896 (VCV001696896.5), dbSNP rs1276606764, ClinGen allele CA363453619.

ClinVar aggregate classification (germline): Conflicting classifications of pathogenicity. Review status: criteria provided, conflicting classifications (1 of 4 stars). 2 submissions from 2 submitters: Likely pathogenic (1); Uncertain significance (1). Last evaluated 2025-06-02.

Allele frequency attached by ClinVar (database versions not stated): gnomAD 0.00001; gnomAD exomes 0.00001 and below 0.00001.
gnomAD v4.1: 6 of 1,612,120 alleles (0.00037%); highest among the groups gnomAD compares: East Asian, 0.0022%; no homozygotes.

Submissions (3):

Labcorp Genetics (formerly Invitae), Labcorp
Classification: Uncertain significance. Last evaluated: 2025-06-02. Review status: criteria provided, single submitter. Criteria: Invitae Variant Classification Sherloc (09022015). Collection method: clinical testing. Allele origin: germline.
Comment: This sequence change replaces arginine, which is basic and polar, with histidine, which is basic and polar, at codon 404 of the SKIV2L protein (p.Arg404His). This variant also falls at the last nucleotide of exon 11, which is part of the consensus splice site for this exon. This variant is present in population databases (no rsID available, gnomAD 0.005%). This variant has not been reported in the literature in individuals affected with SKIV2L-related conditions. ClinVar contains an entry for this variant (Variation ID: 1696896). An algorithm developed to predict the effect of missense changes on protein structure and function (PolyPhen-2) suggests that this variant is likely to be disruptive. Variants that disrupt the consensus splice site are a relatively common cause of aberrant splicing (PMID: 17576681, 9536098). Algorithms developed to predict the effect of sequence changes on RNA splicing suggest that this variant may disrupt the consensus splice site. In summary, the available evidence is currently insufficient to determine the role of this variant in disease. Therefore, it has been classified as a Variant of Uncertain Significance.

GeneDx
Classification: Likely pathogenic. Last evaluated: 2022-07-12. Review status: criteria provided, single submitter. Criteria: GeneDx Variant Classification Process June 2021. Collection method: clinical testing. Allele origin: germline. Affected: yes.
Comment: In silico analysis supports that this missense variant has a deleterious effect on protein structure/function; In-silico analysis is inconclusive as to whether the variant alters gene splicing. In the absence of RNA/functional studies, the actual effect of this sequence change is unknown.; This variant is associated with the following publications: (PMID: 34691159, 33144682)

Dr. Peter K. Rogan Lab, Western University
No classification provided (evidence only). Condition: Hepatocellular carcinoma. Review status: no classification provided. Collection method: in vitro. Allele origin: not applicable. Functional consequence: retained intron. Not counted in ClinVar's aggregate classification.

Literature cited by the submitters: PubMed 17576681 (cited by Labcorp Genetics (formerly Invitae), Labcorp); PubMed 9536098 (cited by Labcorp Genetics (formerly Invitae), Labcorp).